The following is an entry in ClinVar:

NM_001378452.1(ITPR1):c.1936C>A (p.Pro646Thr)

Gene: ITPR1 (inositol 1,4,5-trisphosphate receptor type 1; plus strand). Cytogenetic location: 3p26.1.
Variant type: single nucleotide variant.
Coding change: c.1936C>A on transcript NM_001378452.1 (MANE Select); coding-DNA position 1936, C replaced by A.
Protein change: p.Pro646Thr; replaces proline 646 with threonine.
Molecular consequence: missense variant.
Genome position (GRCh38, 1-based): chr3:4,669,703, C>A. VCF-style: chr3-4669703-C-A. GRCh37 (hg19) VCF-style: chr3-4711387-C-A.
Other names: c.1936C>A, p.Pro646Thr (NM_001099952.4); c.1891C>A, p.Pro631Thr (NM_001168272.2, NM_002222.7); short protein forms P631T, P646T.
Identifiers: ClinVar variation 4823814 (VCV004823814.4).
Genomic context (GRCh38, chr3:4,669,703, plus strand): 5'-TTTCTGTTTAGATTCTTAGATTACCTCTCCGACCTCTGTGTCTCCATGAACAAATCAATT[C>A]CAGTGACCCAGGAACTGATATGTAAAGCTGTGCTGAACCCCACCAACGCTGACATCCTGA-3'
Protein context (NP_001365381.1, residues 636-656): DLCVSMNKSI[Pro646Thr]VTQELICKAV

ClinVar aggregate classification (germline): Uncertain significance (1 of 4 stars; one submission).

Submission:

CeGaT Center for Human Genetics Tuebingen
Classification: Uncertain significance. Last evaluated: 2026-03-01. Review status: criteria provided, single submitter. Criteria: CeGaT Center For Human Genetics Tuebingen Variant Classification Criteria Version 2. Collection method: clinical testing. Allele origin: germline. Affected: yes. Observed: 1 variant allele.
Comment: ITPR1: PM2, PP3